The following is an entry in ClinVar:

ClinVar aggregate classification (germline): Pathogenic (1 of 4 stars; one submission).

Conditions:
Epilepsy, familial focal, with variable foci 3 (FFEVF3). Identifiers: MedGen C4310708, MONDO:0014925, OMIM 617118.

Submission:

Labcorp Genetics (formerly Invitae), Labcorp
Classification: Pathogenic for Epilepsy, familial focal, with variable foci 3. Last evaluated: 2019-07-28. Review status: criteria provided, single submitter. Criteria: Invitae Variant Classification Sherloc (09022015). Collection method: clinical testing. Allele origin: germline.
Comment: This variant has not been reported in the literature in individuals with NPRL3-related conditions. For these reasons, this variant has been classified as Pathogenic. Loss-of-function variants in NPRL3 are known to be pathogenic (PMID: 26285051, 26505888). This variant is not present in population databases (ExAC no frequency). This sequence change creates a premature translational stop signal (p.Leu458Serfs*21) in the NPRL3 gene. It is expected to result in an absent or disrupted protein product.

Literature cited by the submitters: PubMed 26285051; PubMed 26505888.

NM_001077350.3(NPRL3):c.1372del (p.Leu458fs)

Genes: HBA-LCR (alpha-globin locus control region; plus strand), NPRL3 (NPR3 like, GATOR1 complex subunit; minus strand). Cytogenetic location: 16p13.3.
Variant type: Deletion.
Coding change: c.1372del on transcript NM_001077350.3 (MANE Select); coding-DNA position 1372, one base deleted (C; older notation c.1372delC).
Protein change: p.Leu458fs; shifts the reading frame from leucine 458.
Molecular consequence: frameshift variant.
Genome position (GRCh38, 1-based): chr16:88,870, G deleted on the plus strand (C on the coding strand, the reverse complement: NPRL3 is on the minus strand); the first of 3 consecutive G bases (chr16:88,870-88,872); deleting any one gives the same sequence. VCF-style (leftmost placement, unchanged base first): chr16-88869-AG-A. GRCh37 (hg19) VCF-style: chr16-138867-AG-A.
Other names: c.835del, p.Leu279fs (NM_001039476.3); c.1138del, p.Leu380fs (NM_001243247.2); c.1297del, p.Leu433fs (NM_001243248.2, NM_001243249.2); short protein forms L380fs, L458fs, L279fs, L433fs.
Identifiers: ClinVar variation 944018 (VCV000944018.7), dbSNP rs1898627430, ClinGen allele CA1139664206.
Genomic context (GRCh38, chr16:88,869, plus strand): 5'-AGTGGCGAGTCCCCGCTGGGAAGTAGCTCTGCGCTGGAGTTGTCCATGCTGGGGCTGGTG[AG>A]GGTCATGTCATCGCTGCTGGCTGTGGGGGACATGGGTCAGGGTGACCAAGTGGAATTCCA-3'